The following is an entry in ClinVar:

ClinVar aggregate classification (germline): Uncertain significance. Review status: criteria provided, multiple submitters, no conflicts (2 of 4 stars). 2 submissions from 2 submitters: Uncertain significance (2). Last evaluated 2022-11-08.

Conditions:
Hereditary cancer-predisposing syndrome. Also called: Tumor predisposition; Hereditary neoplastic syndrome; Hereditary Cancer Syndrome; Neoplastic Syndromes, Hereditary. Identifiers: Orphanet 140162, MedGen C0027672, MeSH D009386, MONDO:0015356.
Rhabdoid tumor predisposition syndrome 2 (RTPS2). Identifiers: Orphanet 231108, Orphanet 69077, MedGen C2750074, MONDO:0013224, OMIM 613325.

Submissions (2):

Ambry Genetics
Classification: Uncertain significance for Hereditary cancer-predisposing syndrome. Last evaluated: 2022-11-08. Review status: criteria provided, single submitter. Criteria: Ambry Variant Classification Scheme 2023. Collection method: clinical testing. Allele origin: germline.
Comment: The p.I366T variant (also known as c.1097T>C), located in coding exon 5 of the SMARCA4 gene, results from a T to C substitution at nucleotide position 1097. The isoleucine at codon 366 is replaced by threonine, an amino acid with similar properties. This amino acid position is highly conserved in available vertebrate species. In addition, the in silico prediction for this alteration is inconclusive. Missense and in-frame variants in SMARCA4 are known to cause neurodevelopmental disorders; however, such associations with rhabdoid tumor predisposition syndrome including small cell carcinoma of the ovary-hypercalcemic type (SCCOHT) are exceedingly rare (Kosho T et al. Am J Med Genet C Semin Med Genet. 2014 Sep;166C(3):262-75; Jelinic P et al. Nat Genet. 2014 May;46(5):424-6). Since supporting evidence is limited at this time, the clinical significance of this alteration remains unclear.

Labcorp Genetics (formerly Invitae), Labcorp
Classification: Uncertain significance for Rhabdoid tumor predisposition syndrome 2. Last evaluated: 2020-01-30. Review status: criteria provided, single submitter. Criteria: Invitae Variant Classification Sherloc (09022015). Collection method: clinical testing. Allele origin: germline.
Comment: Algorithms developed to predict the effect of missense changes on protein structure and function are either unavailable or do not agree on the potential impact of this missense change (SIFT: "Deleterious"; PolyPhen-2: "Benign"; Align-GVGD: "Class C25"). In summary, the available evidence is currently insufficient to determine the role of this variant in disease. Therefore, it has been classified as a Variant of Uncertain Significance. This variant has not been reported in the literature in individuals with SMARCA4-related conditions. This variant is not present in population databases (ExAC no frequency). This sequence change replaces isoleucine with threonine at codon 366 of the SMARCA4 protein (p.Ile366Thr). The isoleucine residue is highly conserved and there is a moderate physicochemical difference between isoleucine and threonine.

NM_003072.5(SMARCA4):c.1097T>C (p.Ile366Thr)

Gene: SMARCA4 (SWI/SNF related BAF chromatin remodeling complex subunit ATPase 4; plus strand). Cytogenetic location: 19p13.2.
Variant type: single nucleotide variant.
Coding change: c.1097T>C on transcript NM_003072.5 (MANE Select); coding-DNA position 1097, T replaced by C.
Protein change: p.Ile366Thr; replaces isoleucine 366 with threonine.
Molecular consequence: missense variant. On other transcripts: non-coding transcript variant (1).
Genome position (GRCh38, 1-based): chr19:10,987,903, T>C. VCF-style: chr19-10987903-T-C. GRCh37 (hg19) VCF-style: chr19-11098579-T-C.
Other names: c.1097T>C, p.Ile366Thr (NM_001128844.3, NM_001128845.2, NM_001128846.2 and 5 more transcripts); c.1097T>C (NM_001128849.1); short protein forms I366T.
Identifiers: ClinVar variation 1053315 (VCV001053315.11), dbSNP rs2145822279, ClinGen allele CA404058891.
Genomic context (GRCh38, chr19:10,987,903, plus strand): 5'-ACCAGAAGCAGAGCCGCATCACCCCCATCCAGAAGCCGCGGGGCCTCGACCCTGTGGAGA[T>C]CCTGCAGGAGCGCGAGTACAGGTGAGGGCGGGGCCCAGTTGCCAAGGTCACTGCCCTGTG-3'
Protein context (NP_003063.2, residues 356-376): QKPRGLDPVE[Ile366Thr]LQEREYRLQA